The following is an entry in ClinVar:

ClinVar aggregate classification (germline): Benign/Likely benign. Review status: criteria provided, multiple submitters, no conflicts (2 of 4 stars). 3 submissions from 3 submitters: Benign (1); Likely benign (1). 1 of the submissions does not count toward it. Last evaluated 2026-01-26.

Conditions:
COASY-related disorder. Also called: COASY-related condition.
Neurodegeneration with brain iron accumulation 6 (NBIA6). Also called: COASY protein-associated neurodegeneration. Identifiers: Orphanet 397725, MedGen C4517377, MONDO:0014290, OMIM 615643.

Allele frequency attached by ClinVar (database versions not stated): gnomAD exomes 0.00011 and 0.00051; gnomAD 0.00016 and 0.00030; TOPMed 0.00019; ExAC 0.00045; 1000 Genomes Project 30x 0.00203; 1000 Genomes Project 0.00220.
gnomAD v4.1: 220 of 1,604,944 alleles (0.014%); highest among the groups gnomAD compares: East Asian, 0.4%; 2 homozygotes.

Submissions (3):

Labcorp Genetics (formerly Invitae), Labcorp
Classification: Benign for Neurodegeneration with brain iron accumulation 6. Last evaluated: 2026-01-26. Review status: criteria provided, single submitter. Criteria: Invitae Variant Classification Sherloc (09022015). Collection method: clinical testing. Allele origin: germline.

GeneDx
Classification: Likely benign. Last evaluated: 2020-11-16. Review status: criteria provided, single submitter. Criteria: GeneDx Variant Classification Process June 2021. Collection method: clinical testing. Allele origin: germline. Affected: yes.

PreventionGenetics, part of Exact Sciences
Classification: Likely benign for COASY-related condition. Last evaluated: 2019-08-09. Review status: no assertion criteria provided. Collection method: clinical testing. Allele origin: germline. Not counted in ClinVar's aggregate classification.
Comment: This variant is classified as likely benign based on ACMG/AMP sequence variant interpretation guidelines (Richards et al. 2015 PMID: 25741868, with internal and published modifications).

NM_025233.7(COASY):c.156G>C (p.Gln52His)

Gene: COASY (Coenzyme A synthase; plus strand). Cytogenetic location: 17q21.2.
Variant type: single nucleotide variant.
Coding change: c.156G>C on transcript NM_025233.7 (MANE Select); coding-DNA position 156, G replaced by C.
Protein change: p.Gln52His; replaces glutamine 52 with histidine.
Molecular consequence: missense variant.
Genome position (GRCh38, 1-based): chr17:42,562,778, G>C. VCF-style: chr17-42562778-G-C. GRCh37 (hg19) VCF-style: chr17-40714796-G-C.
Other names: c.156G>C, p.Gln52His (NM_001042529.3); c.243G>C, p.Gln81His (NM_001042532.4); short protein forms Q81H, Q52H.
Identifiers: ClinVar variation 784790 (VCV000784790.16), dbSNP rs200009135, ClinGen allele CA8577928.